The following is an entry in ClinVar:

ClinVar aggregate classification (germline): Uncertain significance (1 of 4 stars; one submission).

Allele frequency attached by ClinVar (database versions not stated): ExAC 0.00002; gnomAD exomes 0.00001.
gnomAD v4.1: 10 of 1,614,120 alleles (0.00062%); highest among the groups gnomAD compares: South Asian, 0.0055%; no homozygotes.

Submission:

Labcorp Genetics (formerly Invitae), Labcorp
Classification: Uncertain significance. Last evaluated: 2023-08-04. Review status: criteria provided, single submitter. Criteria: Invitae Variant Classification Sherloc (09022015). Collection method: clinical testing. Allele origin: germline.
Comment: This sequence change replaces arginine, which is basic and polar, with glutamine, which is neutral and polar, at codon 153 of the ITGA6 protein (p.Arg153Gln). This variant is present in population databases (rs769416295, gnomAD 0.006%). This variant has not been reported in the literature in individuals affected with ITGA6-related conditions. ClinVar contains an entry for this variant (Variation ID: 1940602). Advanced modeling of protein sequence and biophysical properties (such as structural, functional, and spatial information, amino acid conservation, physicochemical variation, residue mobility, and thermodynamic stability) performed at Invitae indicates that this missense variant is not expected to disrupt ITGA6 protein function. In summary, the available evidence is currently insufficient to determine the role of this variant in disease. Therefore, it has been classified as a Variant of Uncertain Significance.

NM_000210.4(ITGA6):c.458G>A (p.Arg153Gln)

Genes: ITGA6 (integrin subunit alpha 6; plus strand), PDK1-AS1 (PDK1 and ITGA6 antisense RNA 1; minus strand). Cytogenetic location: 2q31.1.
Variant type: single nucleotide variant.
Coding change: c.458G>A on transcript NM_000210.4 (MANE Select); coding-DNA position 458, G replaced by A.
Protein change: p.Arg153Gln; replaces arginine 153 with glutamine.
Molecular consequence: missense variant.
Genome position (GRCh38, 1-based): chr2:172,469,195, G>A. VCF-style: chr2-172469195-G-A. GRCh37 (hg19) VCF-style: chr2-173333923-G-A.
Other names: c.458G>A, p.Arg153Gln (NM_001079818.3, NM_001365529.2, NM_001365530.2 and 1 more transcripts); c.116G>A, p.Arg39Gln (NM_001316306.2); short protein forms R153Q, R39Q.
Identifiers: ClinVar variation 1940602 (VCV001940602.5), dbSNP rs769416295, ClinGen allele CA1967839.
Genomic context (GRCh38, chr2:172,469,195, plus strand): 5'-ACCGATATGAAAAAAGGCAGCATGTTAATACGAAGCAGGAATCCCGAGACATCTTTGGGC[G>A]GTGTTATGTCCTGAGTCAGAATCTCAGGATTGAAGACGATATGGATGGGGGAGATTGGAG-3'
Protein context (NP_000201.2, residues 143-163): TKQESRDIFG[Arg153Gln]CYVLSQNLRI